The following is an entry in ClinVar:

NM_000051.4(ATM):c.8419-7T>C

Genes: ATM (ATM serine/threonine kinase; plus strand), C11orf65 (chromosome 11 open reading frame 65; minus strand). Cytogenetic location: 11q22.3.
Variant type: single nucleotide variant.
Coding change: c.8419-7T>C on transcript NM_000051.4 (MANE Select); 7 bases into the intron before coding-DNA position 8419, T replaced by C.
Molecular consequence: intron variant.
Genome position (GRCh38, 1-based): chr11:108,345,736, T>C. VCF-style: chr11-108345736-T-C. GRCh37 (hg19) VCF-style: chr11-108216463-T-C.
Other names: c.8419-7T>C (NM_001351834.2); c.641-36665A>G (NM_001330368.2); c.695-10444A>G (NM_001351110.2).
Identifiers: ClinVar variation 795635 (VCV000795635.10), dbSNP rs1591263768, ClinGen allele CA915948325.

ClinVar aggregate classification (germline): Likely benign. Review status: criteria provided, multiple submitters, no conflicts (2 of 4 stars). 3 submissions from 3 submitters: Likely benign (3). Last evaluated 2024-07-16.

Conditions:
Hereditary cancer-predisposing syndrome. Also called: Tumor predisposition; Neoplastic Syndromes, Hereditary; Hereditary Cancer Syndrome; Hereditary neoplastic syndrome. Identifiers: Orphanet 140162, MedGen C0027672, MeSH D009386, MONDO:0015356.
Ataxia-telangiectasia syndrome (AT). Also called: ATAXIA-TELANGIECTASIA, COMPLEMENTATION GROUP A; ATAXIA-TELANGIECTASIA, FRESNO VARIANT; Ataxia-telangiectasia; Ataxia-telangiectasia, complementation group D; AT, COMPLEMENTATION GROUP C; Ataxia-telangiectasia, complementation group E. Identifiers: Orphanet 100, MedGen C0004135, MONDO:0008840, OMIM 208900.
Familial cancer of breast. Also called: Hereditary breast cancer; BREAST CANCER, FAMILIAL; hereditary breast carcinoma. Identifiers: Orphanet 227535, MedGen C0346153, MONDO:0016419, OMIM 114480. Disease mechanism: loss of function.

Allele frequency attached by ClinVar (database versions not stated): gnomAD exomes below 0.00001.
gnomAD v4.1: 2 of 1,592,270 alleles (0.00013%); highest among the groups gnomAD compares: Non-Finnish European, 0.00017%; no homozygotes.

Submissions (3):

Institute for Biomarker Research, Medical Diagnostic Laboratories, L.L.C.
Classification: Likely benign for Hereditary cancer-predisposing syndrome. Last evaluated: 2024-07-16. Review status: criteria provided, single submitter. Criteria: ACMG Guidelines, 2015. Collection method: clinical testing. Allele origin: germline.

Myriad Genetics, Inc.
Classification: Likely benign for Familial cancer of breast. Last evaluated: 2024-06-19. Review status: criteria provided, single submitter. Criteria: Myriad Autosomal Dominant, Autosomal Recessive and X-Linked Classification Criteria (2023). Collection method: clinical testing. Allele origin: unknown.
Comment: This variant is considered likely benign. This variant is intronic and is not expected to impact mRNA splicing.

Labcorp Genetics (formerly Invitae), Labcorp
Classification: Likely benign for Ataxia-telangiectasia syndrome. Last evaluated: 2018-11-19. Review status: criteria provided, single submitter. Criteria: Invitae Variant Classification Sherloc (09022015). Collection method: clinical testing. Allele origin: germline.